The following is an entry in ClinVar:

ClinVar aggregate classification (germline): Uncertain significance (1 of 4 stars; one submission).

Allele frequency attached by ClinVar (database versions not stated): gnomAD 0.00001; gnomAD exomes 0.00001; TOPMed 0.00001.
gnomAD v4.1: 17 of 1,612,240 alleles (0.0011%); highest among the groups gnomAD compares: East Asian, 0.0067%; no homozygotes.

Submission:

Labcorp Genetics (formerly Invitae), Labcorp
Classification: Uncertain significance. Last evaluated: 2023-03-02. Review status: criteria provided, single submitter. Criteria: Invitae Variant Classification Sherloc (09022015). Collection method: clinical testing. Allele origin: germline.
Comment: In summary, the available evidence is currently insufficient to determine the role of this variant in disease. Therefore, it has been classified as a Variant of Uncertain Significance. This sequence change replaces tyrosine, which is neutral and polar, with cysteine, which is neutral and slightly polar, at codon 23 of the PEX11B protein (p.Tyr23Cys). This variant is not present in population databases (gnomAD no frequency). This variant has not been reported in the literature in individuals affected with PEX11B-related conditions. ClinVar contains an entry for this variant (Variation ID: 2082594). An algorithm developed to predict the effect of missense changes on protein structure and function (PolyPhen-2) suggests that this variant is likely to be disruptive.

NM_003846.3(PEX11B):c.68A>G (p.Tyr23Cys)

Gene: PEX11B (peroxisomal biogenesis factor 11 beta; minus strand). Cytogenetic location: 1q21.1.
Variant type: single nucleotide variant.
Coding change: c.68A>G on transcript NM_003846.3 (MANE Select); coding-DNA position 68, A replaced by G.
Protein change: p.Tyr23Cys; replaces tyrosine 23 with cysteine.
Molecular consequence: missense variant. On other transcripts: non-coding transcript variant (3).
Genome position (GRCh38, 1-based): chr1:145,917,805, T>C on the plus strand (A>G on the coding strand, the complement: PEX11B is on the minus strand). VCF-style: chr1-145917805-T-C. GRCh37 (hg19) VCF-style: chr1-145517284-A-G.
Other names: c.26A>G, p.Tyr9Cys (NM_001184795.1); short protein forms Y23C, Y9C.
Identifiers: ClinVar variation 2082594 (VCV002082594.4), dbSNP rs1220915820, ClinGen allele CA342124467.
Genomic context (GRCh38, chr1:145,917,805, plus strand): 5'-TTCTGTAACTCAGGACTGGCTCCATGCCTCTGCAGCGCATGGCCAAGAAGAGAGCAAGCA[T>C]ACTGGGCGGCCCTAGAGGAGAGGGCAGGCAAGGTAAGGTGGAGACCTCCCTAACCTTCCG-3'
Protein context (NP_003837.1, residues 13-33): ARERLCRAAQ[Tyr23Cys]ACSLLGHALQ